The following is an entry in ClinVar:

NM_000141.5(FGFR2):c.1988G>A (p.Gly663Glu)

Gene: FGFR2 (fibroblast growth factor receptor 2; minus strand). Cytogenetic location: 10q26.13.
Variant type: single nucleotide variant.
Coding change: c.1988G>A on transcript NM_000141.5 (MANE Select); coding-DNA position 1988, G replaced by A.
Protein change: p.Gly663Glu; replaces glycine 663 with glutamic acid.
Molecular consequence: missense variant. On other transcripts: non-coding transcript variant (1).
Genome position (GRCh38, 1-based): chr10:121,487,423, C>T on the plus strand (G>A on the coding strand, the complement: FGFR2 is on the minus strand). VCF-style: chr10-121487423-C-T. GRCh37 (hg19) VCF-style: chr10-123246937-C-T.
Other names: c.1991G>A, p.Gly664Glu (NM_001144913.1, NM_022970.4); c.1652G>A, p.Gly551Glu (NM_001144914.1); c.1721G>A, p.Gly574Glu (NM_001144915.2, NM_023029.3); c.1643G>A, p.Gly548Glu (NM_001144916.2); c.1640G>A, p.Gly547Glu (NM_001144917.2); c.1637G>A, p.Gly546Glu (NM_001144918.2); c.1724G>A, p.Gly575Glu (NM_001144919.2); c.1304G>A, p.Gly435Glu (NM_001320654.2); and 1 more; short protein forms G551E, G663E, G547E, G548E, G574E, G575E, G661E, G435E.
Identifiers: ClinVar variation 2735492 (VCV002735492.4), dbSNP rs2133825396, ClinGen allele CA378313388.

ClinVar aggregate classification (germline): Pathogenic. Review status: criteria provided, multiple submitters, no conflicts (2 of 4 stars). 2 submissions from 2 submitters: Pathogenic (2). Last evaluated 2024-05-10.

Conditions:
FGFR2-related craniosynostosis. Identifiers: MedGen CN231480.
Pfeiffer syndrome (ACS5). Also called: ACS V. Identifiers: Orphanet 710, MedGen C0220658, MONDO:0007043, OMIM 101600.

Submissions (2):

Greenwood Genetic Center Diagnostic Laboratories, Greenwood Genetic Center
Classification: Pathogenic for Pfeiffer syndrome. Last evaluated: 2024-05-10. Review status: criteria provided, single submitter. Criteria: ACMG Guidelines, 2015. Collection method: clinical testing. Allele origin: germline. Affected: yes.
Comment: PS4_Supporting, PM1, PM2, PM6_Strong, PP2, PP3

Labcorp Genetics (formerly Invitae), Labcorp
Classification: Pathogenic for FGFR2-related craniosynostosis. Last evaluated: 2024-01-12. Review status: criteria provided, single submitter. Criteria: Invitae Variant Classification Sherloc (09022015). Collection method: clinical testing. Allele origin: germline.
Comment: This sequence change replaces glycine, which is neutral and non-polar, with glutamic acid, which is acidic and polar, at codon 663 of the FGFR2 protein (p.Gly663Glu). This variant is not present in population databases (gnomAD no frequency). This missense change has been observed in individual(s) with clinical features of FGFR2-related conditions and/or Pfeiffer syndrome (PMID: 11781872, 23348274; Invitae). In at least one individual the variant was observed to be de novo. An algorithm developed to predict the effect of missense changes on protein structure and function (PolyPhen-2) suggests that this variant is likely to be disruptive. Experimental studies have shown that this missense change affects FGFR2 function (PMID: 17803937). For these reasons, this variant has been classified as Pathogenic.

Literature cited by the submitters: PubMed 11781872 (cited by Labcorp Genetics (formerly Invitae), Labcorp); PubMed 23348274 (cited by Labcorp Genetics (formerly Invitae), Labcorp); PubMed 17803937 (cited by Labcorp Genetics (formerly Invitae), Labcorp).